The following is an entry in ClinVar:

ClinVar aggregate classification (germline): Conflicting classifications of pathogenicity. Review status: criteria provided, conflicting classifications (1 of 4 stars). 7 submissions from 5 submitters: Uncertain significance (3); Benign (1); Likely benign (3). Last evaluated 2024-09-29.

Conditions:
Arrhythmogenic cardiomyopathy with wooly hair and keratoderma. Also called: PALMOPLANTAR KERATODERMA WITH LEFT VENTRICULAR CARDIOMYOPATHY AND WOOLLY HAIR; Carvajal syndrome; Dilated cardiomyopathy with woolly hair and keratoderma; Arrhythmogenic cardiomyopathy with woolly hair and keratoderma. Identifiers: Orphanet 65282, MedGen C1854063, MONDO:0011581, OMIM 605676.
Arrhythmogenic right ventricular dysplasia 8 (ARVD8). Also called: ARRHYTHMOGENIC RIGHT VENTRICULAR DYSPLASIA, FAMILIAL, 8; ARRHYTHMOGENIC RIGHT VENTRICULAR CARDIOMYOPATHY 8; Arrhythmogenic Right Ventricular Dysplasia/Cardiomyopathy 8. Identifiers: MedGen C1843896, MONDO:0011831, OMIM 607450.
Cardiomyopathy (CMYO). Also called: Cardiomyopathies. Identifiers: Orphanet 167848, MedGen C0878544, MONDO:0004994, HP:0001638. Inheritance: Various modes of inheritance.
Cardiovascular phenotype. Identifiers: MedGen CN230736.
Lethal acantholytic epidermolysis bullosa (EBLA). Identifiers: Orphanet 158687, MedGen C1864826, MONDO:0012323, OMIM 609638.
Woolly hair-skin fragility syndrome (WHSF). Identifiers: Orphanet 293165, MedGen C1843292, MONDO:0957307, OMIM 620415.

Allele frequency attached by ClinVar (database versions not stated): gnomAD 0.00001; gnomAD exomes 0.00002 and 0.00003; ExAC 0.00005.
gnomAD v4.1: 14 of 1,614,066 alleles (0.00087%); highest among the groups gnomAD compares: Non-Finnish European, 0.0012%; no homozygotes.

Submissions (7):

Labcorp Genetics (formerly Invitae), Labcorp
Classification: Benign for Arrhythmogenic cardiomyopathy with wooly hair and keratoderma; Arrhythmogenic right ventricular dysplasia 8. Last evaluated: 2024-09-29. Review status: criteria provided, single submitter. Criteria: Invitae Variant Classification Sherloc (09022015). Collection method: clinical testing. Allele origin: germline.

All of Us Research Program, National Institutes of Health
Classification: Likely benign for Arrhythmogenic cardiomyopathy with wooly hair and keratoderma. Last evaluated: 2024-05-30. Review status: criteria provided, single submitter. Criteria: ACMG Guidelines, 2015. Collection method: clinical testing. Allele origin: germline. Inheritance: Autosomal dominant inheritance. Observed: 2 variant alleles, 2 heterozygotes.
Comment: This study involves interpretation of variants in research participants for the purpose of population health screening. Participant phenotype was not available at the time of variant classification. Additional details can be found in publication PMID: 35346344, PMCID: PMC8962531

Color Diagnostics, LLC DBA Color Health
Classification: Likely benign for Cardiomyopathy. Last evaluated: 2021-05-18. Review status: criteria provided, single submitter. Criteria: ACMG Guidelines, 2015. Collection method: clinical testing. Allele origin: germline.

Ambry Genetics
Classification: Likely benign for Cardiovascular phenotype. Last evaluated: 2019-07-17. Review status: criteria provided, single submitter. Criteria: Ambry Variant Classification Scheme 2023. Collection method: clinical testing. Allele origin: germline.

Illumina Laboratory Services, Illumina
Classification: Uncertain significance for Lethal acantholytic epidermolysis bullosa. Last evaluated: 2018-01-12. Review status: criteria provided, single submitter. Criteria: ICSL Variant Classification Criteria 13 December 2019. Collection method: clinical testing. Allele origin: germline.

Illumina Laboratory Services, Illumina
Classification: Uncertain significance for Arrhythmogenic cardiomyopathy with wooly hair and keratoderma. Last evaluated: 2018-01-12. Review status: criteria provided, single submitter. Criteria: ICSL Variant Classification Criteria 13 December 2019. Collection method: clinical testing. Allele origin: germline.

Illumina Laboratory Services, Illumina
Classification: Uncertain significance for Arrhythmogenic right ventricular dysplasia 8. Last evaluated: 2018-01-12. Review status: criteria provided, single submitter. Criteria: ICSL Variant Classification Criteria 13 December 2019. Collection method: clinical testing. Allele origin: germline.

NM_004415.4(DSP):c.8217G>A (p.Pro2739=)

Gene: DSP (desmoplakin; plus strand). Cytogenetic location: 6p24.3.
Variant type: single nucleotide variant.
Coding change: c.8217G>A on transcript NM_004415.4 (MANE Select); coding-DNA position 8217, G replaced by A.
Protein change: p.Pro2739=; no amino-acid change (proline 2739 retained).
Molecular consequence: synonymous variant.
Genome position (GRCh38, 1-based): chr6:7,585,479, G>A. VCF-style: chr6-7585479-G-A. GRCh37 (hg19) VCF-style: chr6-7585712-G-A.
Other names: c.8217G>A (LRG_423t1); c.6420G>A, p.Pro2140= (NM_001008844.3); c.6888G>A, p.Pro2296= (NM_001319034.2).
Identifiers: ClinVar variation 357966 (VCV000357966.13), dbSNP rs755508926, ClinGen allele CA051809.
Genomic context (GRCh38, chr6:7,585,479, plus strand): 5'-GTATGAGGCTGGCCAGCGCTTCCTGGAGTTCCAGTACCTCACGGGAGGTCTTGTTGACCC[G>A]GAAGTGCATGGGAGGATAAGCACCGAAGAAGCCATCCGGAAGGGGTTCATAGATGGCCGC-3'
Protein context (NP_004406.2, residues 2729-2749): FQYLTGGLVD[Pro2739=]EVHGRISTEE